The following is an entry in ClinVar:

NM_014159.7(SETD2):c.3946A>C (p.Thr1316Pro)

Gene: SETD2 (SET domain containing 2, histone lysine methyltransferase; minus strand). Cytogenetic location: 3p21.31.
Variant type: single nucleotide variant.
Coding change: c.3946A>C on transcript NM_014159.7 (MANE Select); coding-DNA position 3946, A replaced by C.
Protein change: p.Thr1316Pro; replaces threonine 1316 with proline.
Molecular consequence: missense variant. On other transcripts: non-coding transcript variant (1).
Genome position (GRCh38, 1-based): chr3:47,120,690, T>G on the plus strand (A>C on the coding strand, the complement: SETD2 is on the minus strand). VCF-style: chr3-47120690-T-G. GRCh37 (hg19) VCF-style: chr3-47162180-T-G.
Other names: c.3814A>C, p.Thr1272Pro (NM_001349370.3); short protein forms T1272P, T1316P.
Identifiers: ClinVar variation 2572702 (VCV002572702.3), dbSNP rs2043040689, ClinGen allele CA352519534.

ClinVar aggregate classification (germline): Uncertain significance (1 of 4 stars; one submission).

Submission:

GeneDx
Classification: Uncertain significance. Last evaluated: 2023-08-16. Review status: criteria provided, single submitter. Criteria: GeneDx Variant Classification Process June 2021. Collection method: clinical testing. Allele origin: germline. Affected: yes.
Comment: Not observed at significant frequency in large population cohorts (gnomAD); In silico analysis supports that this missense variant has a deleterious effect on protein structure/function; Has not been previously published as pathogenic or benign to our knowledge